The following is an entry in ClinVar:

ClinVar aggregate classification (germline): Uncertain significance (1 of 4 stars; one submission).

Conditions:
Jeune thoracic dystrophy. Also called: Jeune syndrome; Infantile thoracic dystrophy; Thoracic pelvic phalangeal dystrophy; Jeune's syndrome; Chondroectodermal dysplasia-like syndrome; Short-rib thoracic dysplasia. Identifiers: Orphanet 474, MedGen C0265275, MONDO:0018770.
Nephronophthisis. Also called: Juvenile Nephronophthisis. Identifiers: Orphanet 655, MedGen C0687120, MONDO:0019005, HP:0000090.

Allele frequency attached by ClinVar (database versions not stated): gnomAD 0.00002; ExAC 0.00003; 1000 Genomes Project 30x 0.00047; 1000 Genomes Project 0.00060.

Submission:

Labcorp Genetics (formerly Invitae), Labcorp
Classification: Uncertain significance for Jeune thoracic dystrophy; Nephronophthisis. Last evaluated: 2023-08-04. Review status: criteria provided, single submitter. Criteria: Invitae Variant Classification Sherloc (09022015). Collection method: clinical testing. Allele origin: germline.
Comment: This sequence change replaces leucine, which is neutral and non-polar, with phenylalanine, which is neutral and non-polar, at codon 504 of the TTC21B protein (p.Leu504Phe). This variant is present in population databases (rs192305930, gnomAD 0.02%). This variant has not been reported in the literature in individuals affected with TTC21B-related conditions. ClinVar contains an entry for this variant (Variation ID: 2111467). Advanced modeling of protein sequence and biophysical properties (such as structural, functional, and spatial information, amino acid conservation, physicochemical variation, residue mobility, and thermodynamic stability) performed at Invitae indicates that this missense variant is not expected to disrupt TTC21B protein function. In summary, the available evidence is currently insufficient to determine the role of this variant in disease. Therefore, it has been classified as a Variant of Uncertain Significance.

NM_024753.5(TTC21B):c.1512G>T (p.Leu504Phe)

Gene: TTC21B (tetratricopeptide repeat domain 21B; minus strand). Cytogenetic location: 2q24.3.
Variant type: single nucleotide variant.
Coding change: c.1512G>T on transcript NM_024753.5 (MANE Select); coding-DNA position 1512, G replaced by T.
Protein change: p.Leu504Phe; replaces leucine 504 with phenylalanine.
Molecular consequence: missense variant.
Genome position (GRCh38, 1-based): chr2:165,924,553, C>A on the plus strand (G>T on the coding strand, the complement: TTC21B is on the minus strand). VCF-style: chr2-165924553-C-A. GRCh37 (hg19) VCF-style: chr2-166781063-C-A.
Other names: short protein forms L504F.
Identifiers: ClinVar variation 2111467 (VCV002111467.2), dbSNP rs192305930, ClinGen allele CA1942112.
Genomic context (GRCh38, chr2:165,924,553, plus strand): 5'-CTTGTTTTTATCAACATCAGAATAAAAAGGTTAAAAGTTTTTAAGGTATACTCTACCTGA[C>A]AAATATTTCACTTTTGCTATTAGGAAGACTGTTTGCAGAAGACCTGGAACAGTTCTTACT-3'
Protein context (NP_079029.3, residues 494-514): TVFLIAKVKY[Leu504Phe]SGDIEAAFNN